The following is an entry in ClinVar:

ClinVar aggregate classification (germline): Uncertain significance (1 of 4 stars; one submission).

Conditions:
Alstrom syndrome (ALMS). Identifiers: Orphanet 64, MedGen C0268425, MONDO:0008763, OMIM 203800.

Allele frequency attached by ClinVar (database versions not stated): gnomAD exomes below 0.00001.

Submission:

Labcorp Genetics (formerly Invitae), Labcorp
Classification: Uncertain significance for Alstrom syndrome. Last evaluated: 2021-11-10. Review status: criteria provided, single submitter. Criteria: Invitae Variant Classification Sherloc (09022015). Collection method: clinical testing. Allele origin: germline.
Comment: This sequence change replaces leucine, which is neutral and non-polar, with phenylalanine, which is neutral and non-polar, at codon 1939 of the ALMS1 protein (p.Leu1939Phe). This variant is present in population databases (no rsID available, gnomAD 0.006%). This variant has not been reported in the literature in individuals affected with ALMS1-related conditions. Experimental studies and prediction algorithms are not available or were not evaluated, and the functional significance of this variant is currently unknown. In summary, the available evidence is currently insufficient to determine the role of this variant in disease. Therefore, it has been classified as a Variant of Uncertain Significance.

NM_001378454.1(ALMS1):c.5814A>C (p.Leu1938Phe)

Gene: ALMS1 (ALMS1 centrosome and basal body associated protein; plus strand). Cytogenetic location: 2p13.1.
Variant type: single nucleotide variant.
Coding change: c.5814A>C on transcript NM_001378454.1 (MANE Select); coding-DNA position 5814, A replaced by C.
Protein change: p.Leu1938Phe; replaces leucine 1938 with phenylalanine.
Molecular consequence: missense variant.
Genome position (GRCh38, 1-based): chr2:73,452,341, A>C. VCF-style: chr2-73452341-A-C. GRCh37 (hg19) VCF-style: chr2-73679468-A-C.
Other names: c.5817A>C, p.Leu1939Phe (NM_015120.4); short protein forms L1938F, L1939F.
Identifiers: ClinVar variation 1484053 (VCV001484053.3), dbSNP rs1432463036, ClinGen allele CA347283390.